The following is an entry in ClinVar:

ClinVar aggregate classification (germline): Uncertain significance (1 of 4 stars; one submission).

gnomAD v4.1: 21 of 1,610,556 alleles (0.0013%); highest among the groups gnomAD compares: African/African-American, 0.0027%; no homozygotes.

Submission:

Women's Health and Genetics/Laboratory Corporation of America, LabCorp
Classification: Uncertain significance. Last evaluated: 2025-03-17. Review status: criteria provided, single submitter. Criteria: LabCorp Variant Classification Summary - May 2015. Collection method: clinical testing. Allele origin: germline.
Comment: Variant summary: ATAD3A c.526C>T (p.Arg176Trp) results in a non-conservative amino acid change in the encoded protein sequence. Four of five in-silico tools predict a damaging effect of the variant on protein function. The variant allele was found at a frequency of 2.1e-05 in 243372 control chromosomes. The available data on variant occurrences in the general population are insufficient to allow any conclusion about variant significance. To our knowledge, no occurrence of c.526C>T in individuals affected with ATAD3A-related conditions and no experimental evidence demonstrating its impact on protein function have been reported. No submitters have cited clinical-significance assessments for this variant to ClinVar. Based on the evidence outlined above, the variant was classified as uncertain significance.

NM_001170535.3(ATAD3A):c.526C>T (p.Arg176Trp)

Gene: ATAD3A (ATPase family AAA domain containing 3A; plus strand). Cytogenetic location: 1p36.33.
Variant type: single nucleotide variant.
Coding change: c.526C>T on transcript NM_001170535.3 (MANE Select); coding-DNA position 526, C replaced by T.
Protein change: p.Arg176Trp; replaces arginine 176 with tryptophan.
Molecular consequence: missense variant.
Genome position (GRCh38, 1-based): chr1:1,520,152, C>T. VCF-style: chr1-1520152-C-T. GRCh37 (hg19) VCF-style: chr1-1455532-C-T.
Other names: c.289C>T, p.Arg97Trp (NM_001170536.3); c.670C>T, p.Arg224Trp (NM_018188.5); short protein forms R176W, R224W, R97W.
Identifiers: ClinVar variation 3895611 (VCV003895611.1).